The following is an entry in ClinVar:

NM_004958.4(MTOR):c.4792G>C (p.Glu1598Gln)

Genes: MTOR (mechanistic target of rapamycin kinase; minus strand), MTOR-AS1 (MTOR antisense RNA 1; plus strand). Cytogenetic location: 1p36.22.
Variant type: single nucleotide variant.
Coding change: c.4792G>C on transcript NM_004958.4 (MANE Select); coding-DNA position 4792, G replaced by C.
Protein change: p.Glu1598Gln; replaces glutamic acid 1598 with glutamine.
Molecular consequence: missense variant. On other transcripts: non-coding transcript variant (1).
Genome position (GRCh38, 1-based): chr1:11,144,728, C>G on the plus strand (G>C on the coding strand, the complement: MTOR is on the minus strand). VCF-style: chr1-11144728-C-G. GRCh37 (hg19) VCF-style: chr1-11204785-C-G.
Other names: c.4792G>C, p.Glu1598Gln (NM_001386500.1); c.3544G>C, p.Glu1182Gln (NM_001386501.1); short protein forms E1182Q, E1598Q.
Identifiers: ClinVar variation 1719417 (VCV001719417.5), dbSNP rs1451215028, ClinGen allele CA338366271.
Genomic context (GRCh38, chr1:11,144,728, plus strand): 5'-TCTGGCGGATGATCTCTCGTCGCTCGGGGACAAGTTTGTACTGGATAACCTCCTCCAGCT[C>G]GGACAGCATGTGGCAAGAAACCATGGCCTGATGGAAGCAAATCGCATTCCAAACTAATTA-3'
Protein context (NP_004949.1, residues 1588-1608): GAMVSCHMLS[Glu1598Gln]LEEVIQYKLV

ClinVar aggregate classification (germline): Uncertain significance (1 of 4 stars; one submission).

gnomAD v4.1: 1 of 1,613,564 alleles (0.000062%); highest among the groups gnomAD compares: Non-Finnish European, 0.000085%; no homozygotes.

Submission:

Labcorp Genetics (formerly Invitae), Labcorp
Classification: Uncertain significance. Last evaluated: 2022-09-14. Review status: criteria provided, single submitter. Criteria: Invitae Variant Classification Sherloc (09022015). Collection method: clinical testing. Allele origin: germline.
Comment: This sequence change replaces glutamic acid, which is acidic and polar, with glutamine, which is neutral and polar, at codon 1598 of the MTOR protein (p.Glu1598Gln). This variant is not present in population databases (gnomAD no frequency). This variant has not been reported in the literature in individuals affected with MTOR-related conditions. Advanced modeling of protein sequence and biophysical properties (such as structural, functional, and spatial information, amino acid conservation, physicochemical variation, residue mobility, and thermodynamic stability) has been performed at Invitae for this missense variant, however the output from this modeling did not meet the statistical confidence thresholds required to predict the impact of this variant on MTOR protein function. In summary, the available evidence is currently insufficient to determine the role of this variant in disease. Therefore, it has been classified as a Variant of Uncertain Significance.